The following is an entry in ClinVar:

ClinVar aggregate classification (germline): Uncertain significance. Review status: criteria provided, multiple submitters, no conflicts (2 of 4 stars). 5 submissions from 5 submitters: Uncertain significance (4). 1 of the submissions does not count toward it. Last evaluated 2026-04-01.

Conditions:
Inborn genetic diseases. Identifiers: MedGen C0950123, MeSH D030342.
Ehlers-Danlos syndrome, dermatosparaxis type. Also called: Ehlers-Danlos syndrome, type VII, autosomal recessive; Dermatosparaxis; EDS VIIC. Identifiers: Orphanet 1901, MedGen C2700425, MONDO:0009161, OMIM 225410.

Allele frequency attached by ClinVar (database versions not stated): ExAC 0.00002; gnomAD exomes 0.00002 and 0.00003; ESP Exome Variant Server 0.00008; TOPMed 0.00014; gnomAD 0.00022.
gnomAD v4.1: 44 of 1,612,282 alleles (0.0027%); highest among the groups gnomAD compares: African/African-American, 0.055%; no homozygotes.

Submissions (5):

Women's Health and Genetics/Laboratory Corporation of America, LabCorp
Classification: Uncertain significance. Last evaluated: 2026-04-01. Review status: criteria provided, single submitter. Criteria: LabCorp Variant Classification Summary - May 2015. Collection method: clinical testing. Allele origin: germline.
Comment: Variant summary: ADAMTS2 c.1769A>C (p.Asn590Thr) results in a non-conservative amino acid change in the encoded protein sequence. Algorithms developed to predict the effect of missense changes on protein structure and function are either unavailable or do not agree on the potential impact of this missense change. The variant allele was found at a frequency of 3.2e-05 in 251130 control chromosomes. The available data on variant occurrences in the general population are insufficient to allow any conclusion about variant significance. To our knowledge, no occurrence of c.1769A>C in individuals affected with ADAMTS2-related conditions and no experimental evidence demonstrating its impact on protein function have been reported. ClinVar contains an entry for this variant (Variation ID: 659986). Based on the evidence outlined above, the variant was classified as uncertain significance.

Ambry Genetics
Classification: Uncertain significance for Inborn genetic diseases. Last evaluated: 2024-01-09. Review status: criteria provided, single submitter. Criteria: Ambry Variant Classification Scheme 2023. Collection method: clinical testing. Allele origin: germline.

Labcorp Genetics (formerly Invitae), Labcorp
Classification: Uncertain significance for Ehlers-Danlos syndrome, dermatosparaxis type. Last evaluated: 2022-08-19. Review status: criteria provided, single submitter. Criteria: Invitae Variant Classification Sherloc (09022015). Collection method: clinical testing. Allele origin: germline.
Comment: This sequence change replaces asparagine, which is neutral and polar, with threonine, which is neutral and polar, at codon 590 of the ADAMTS2 protein (p.Asn590Thr). This variant is present in population databases (rs145336133, gnomAD 0.06%). This variant has not been reported in the literature in individuals affected with ADAMTS2-related conditions. ClinVar contains an entry for this variant (Variation ID: 659986). Algorithms developed to predict the effect of missense changes on protein structure and function are either unavailable or do not agree on the potential impact of this missense change (SIFT: "Deleterious"; PolyPhen-2: "Probably Damaging"; Align-GVGD: "Class C0"). In summary, the available evidence is currently insufficient to determine the role of this variant in disease. Therefore, it has been classified as a Variant of Uncertain Significance.

Mayo Clinic Laboratories, Mayo Clinic
Classification: Uncertain significance. Last evaluated: 2022-08-03. Review status: criteria provided, single submitter. Criteria: ACMG Guidelines, 2015. Collection method: clinical testing. Allele origin: germline. Observed: 1 variant allele.
Comment: BP1, BP4

Natera, Inc.
Classification: Uncertain significance for Ehlers-Danlos syndrome type VIIC. Last evaluated: 2020-01-17. Review status: no assertion criteria provided. Collection method: clinical testing. Allele origin: germline. Not counted in ClinVar's aggregate classification.

NM_014244.5(ADAMTS2):c.1769A>C (p.Asn590Thr)

Gene: ADAMTS2 (ADAM metallopeptidase with thrombospondin type 1 motif 2; minus strand). Cytogenetic location: 5q35.3.
Variant type: single nucleotide variant.
Coding change: c.1769A>C on transcript NM_014244.5 (MANE Select); coding-DNA position 1769, A replaced by C.
Protein change: p.Asn590Thr; replaces asparagine 590 with threonine.
Molecular consequence: missense variant.
Genome position (GRCh38, 1-based): chr5:179,139,896, T>G on the plus strand (A>C on the coding strand, the complement: ADAMTS2 is on the minus strand). VCF-style: chr5-179139896-T-G. GRCh37 (hg19) VCF-style: chr5-178566897-T-G.
Other names: p.Asn590Thr; short protein forms N590T.
Identifiers: ClinVar variation 659986 (VCV000659986.7), dbSNP rs145336133, ClinGen allele CA3595790.